The following is an entry in ClinVar:

ClinVar aggregate classification (germline): Pathogenic (1 of 4 stars; one submission).

Conditions:
MPI-congenital disorder of glycosylation. Also called: MPI-CDG; MPI DEFICIENCY; CONGENITAL DISORDER OF GLYCOSYLATION, TYPE Ib; CDG Ib; MANNOSEPHOSPHATE ISOMERASE DEFICIENCY; PROTEIN-LOSING ENTEROPATHY-HEPATIC FIBROSIS SYNDROME. Identifiers: Orphanet 79319, MedGen C1865145, MONDO:0011257, OMIM 602579.

Submission:

Labcorp Genetics (formerly Invitae), Labcorp
Classification: Pathogenic for MPI-congenital disorder of glycosylation. Last evaluated: 2024-01-16. Review status: criteria provided, single submitter. Criteria: Invitae Variant Classification Sherloc (09022015). Collection method: clinical testing. Allele origin: germline.
Comment: This sequence change creates a premature translational stop signal (p.Pro353Leufs*19) in the MPI gene. While this is not anticipated to result in nonsense mediated decay, it is expected to disrupt the last 71 amino acid(s) of the MPI protein. This variant is not present in population databases (gnomAD no frequency). This variant has not been reported in the literature in individuals affected with MPI-related conditions. This variant disrupts a region of the MPI protein in which other variant(s) (p.Ile398Thr) have been determined to be pathogenic (PMID: 10484808, 30545931). This suggests that this is a clinically significant region of the protein, and that variants that disrupt it are likely to be disease-causing. For these reasons, this variant has been classified as Pathogenic.

Literature cited by the submitters: PubMed 10484808; PubMed 30545931.

NM_002435.3(MPI):c.1058del (p.Pro353fs)

Gene: MPI (mannose phosphate isomerase; plus strand). Cytogenetic location: 15q24.1.
Variant type: Deletion.
Coding change: c.1058del on transcript NM_002435.3 (MANE Select); coding-DNA position 1058, one base deleted (C; older notation c.1058delC).
Protein change: p.Pro353fs; shifts the reading frame from proline 353.
Molecular consequence: frameshift variant.
Genome position (GRCh38, 1-based): chr15:74,897,516, C deleted; the last of 3 consecutive C bases (chr15:74,897,514-74,897,516); deleting any one gives the same sequence. VCF-style (leftmost placement, unchanged base first): chr15-74897513-TC-T. GRCh37 (hg19) VCF-style: chr15-75189854-TC-T.
Other names: c.849del, p.Trp284fs (NM_001289155.2); c.908del, p.Pro303fs (NM_001289156.2); c.875del, p.Pro292fs (NM_001289157.2); c.998del, p.Pro333fs (NM_001330372.2); short protein forms P333fs, W284fs, P292fs, P353fs, P303fs.
Identifiers: ClinVar variation 2802194 (VCV002802194.3), dbSNP rs2505831279, ClinGen allele CA2739269585.